The following is an entry in ClinVar:

ClinVar aggregate classification (germline): Uncertain significance. Review status: criteria provided, multiple submitters, no conflicts (2 of 4 stars). 2 submissions from 2 submitters: Uncertain significance (2). Last evaluated 2025-04-11.

Conditions:
Inborn genetic diseases. Identifiers: MedGen C0950123, MeSH D030342.

Submissions (2):

Ambry Genetics
Classification: Uncertain significance for Inborn genetic diseases. Last evaluated: 2025-04-11. Review status: criteria provided, single submitter. Criteria: Ambry Variant Classification Scheme 2023. Collection method: clinical testing. Allele origin: germline.
Comment: The p.A763V variant (also known as c.2288C>T), located in coding exon 19 of the KDM1A gene, results from a C to T substitution at nucleotide position 2288. The alanine at codon 763 is replaced by valine, an amino acid with similar properties. This amino acid position is conserved. In addition, the in silico prediction for this alteration is inconclusive. Based on the available evidence, the clinical significance of this variant remains unclear.

GeneDx
Classification: Uncertain significance. Last evaluated: 2021-06-23. Review status: criteria provided, single submitter. Criteria: GeneDx Variant Classification Process June 2021. Collection method: clinical testing. Allele origin: germline. Affected: yes.
Comment: Not observed in large population cohorts (Lek et al., 2016); Has not been previously published as pathogenic or benign to our knowledge; In silico analysis supports that this missense variant does not alter protein structure/function; This variant is associated with the following publications: (PMID: 27535533)

NM_001009999.3(KDM1A):c.2288C>T (p.Ala763Val)

Gene: KDM1A (lysine demethylase 1A; plus strand). Cytogenetic location: 1p36.12.
Variant type: single nucleotide variant.
Coding change: c.2288C>T on transcript NM_001009999.3 (MANE Select); coding-DNA position 2288, C replaced by T.
Protein change: p.Ala763Val; replaces alanine 763 with valine.
Molecular consequence: missense variant.
Genome position (GRCh38, 1-based): chr1:23,081,563, C>T. VCF-style: chr1-23081563-C-T. GRCh37 (hg19) VCF-style: chr1-23408056-C-T.
Other names: c.2234C>T, p.Ala745Val (NM_001363654.2); c.2216C>T, p.Ala739Val (NM_015013.4); short protein forms A739V, A745V, A763V.
Identifiers: ClinVar variation 1312581 (VCV001312581.3), dbSNP rs2124552880, ClinGen allele CA338972022.
Genomic context (GRCh38, chr1:23,081,563, plus strand): 5'-GTGACGATGTGATTGTTGGCCGATGCCTGGCCATTCTCAAAGGGATTTTTGGTAGCAGTG[C>T]AGTACCTCAGGTAAGTAGGTAGGTGGGGCAAGGAGGGATCTAGGGTTCAGACTCAACCAG-3'
Protein context (NP_001009999.1, residues 753-773): AILKGIFGSS[Ala763Val]VPQPKETVVS